The following is an entry in ClinVar:

ClinVar aggregate classification (germline): Pathogenic/Likely pathogenic. Review status: criteria provided, multiple submitters, no conflicts (2 of 4 stars). 9 submissions from 9 submitters: Pathogenic (6); Likely pathogenic (2). 1 of the submissions does not count toward it. Last evaluated 2026-04-01.

Conditions:
Autosomal recessive nonsyndromic hearing loss 97. Also called: Deafness, autosomal recessive 97. Identifiers: Orphanet 90636, MedGen C4084709, MONDO:0014739, OMIM 616705.
Hepatocellular carcinoma (HCC). Also called: Primary carcinoma of liver; HEPATOMA; LIVER CELL CARCINOMA. Identifiers: Orphanet 88673, MedGen C2239176, MONDO:0007256, OMIM 114550, HP:0001402.
Papillary renal cell carcinoma type 1 (RCCP1). Also called: RENAL CELL CARCINOMA, PAPILLARY, 1, SOMATIC; Renal adenocarcinoma; Renal cell carcinoma 1; Renal cell carcinoma, somatic. Identifiers: Orphanet 47044, MedGen C1336839, OMIM 605074, HP:0011797.
Osteofibrous dysplasia (OSFD). Also called: Tibia, bowing of, with pseudarthrosis and pectus excavatum. Identifiers: Orphanet 488265, MedGen C4085248, MONDO:0011806, OMIM 607278.
Arthrogryposis, distal, IIa 11. Also called: Arthrogryposis, distal, type 11. Identifiers: MedGen C5774205, MONDO:0031045, OMIM 620019.
MET-related disorder. Also called: MET-related condition.
Renal cell carcinoma. Identifiers: Orphanet 217071, MedGen C0007134, MeSH D002292, MONDO:0005086, HP:0005584.
Hereditary cancer-predisposing syndrome. Also called: Neoplastic Syndromes, Hereditary; Tumor predisposition; Hereditary Cancer Syndrome; Hereditary neoplastic syndrome. Identifiers: Orphanet 140162, MedGen C0027672, MeSH D009386, MONDO:0015356.

Allele frequency attached by ClinVar (database versions not stated): ExAC 0.00002; gnomAD exomes 0.00001.
gnomAD v4.1: 1 of 1,613,868 alleles (0.000062%); highest among the groups gnomAD compares: Non-Finnish European, 0.000085%; no homozygotes.

Submissions (9):

Myriad Genetics, Inc.
Classification: Likely pathogenic for Papillary renal cell carcinoma type 1. Last evaluated: 2026-04-01. Review status: criteria provided, single submitter. Criteria: Myriad Autosomal Dominant, Autosomal Recessive and X-Linked Classification Criteria (2023). Collection method: clinical testing. Allele origin: unknown.
Comment: This variant is considered likely pathogenic. This variant has shown to segregate with cancer in one or more families [PMID: 9563489, 34882875, 9715275]. This variant has been reported in multiple individuals with clinical features of gene-specific disease [PMID: 9563489, 34882875, 9715275]. Functional studies indicate this variant impacts protein function [PMID: 9563489].

Labcorp Genetics (formerly Invitae), Labcorp
Classification: Pathogenic for Renal cell carcinoma. Last evaluated: 2025-06-18. Review status: criteria provided, single submitter. Criteria: Invitae Variant Classification Sherloc (09022015). Collection method: clinical testing. Allele origin: germline.
Comment: This sequence change replaces histidine, which is basic and polar, with arginine, which is basic and polar, at codon 1112 of the MET protein (p.His1112Arg). This variant is present in population databases (rs121913243, gnomAD 0.003%). This missense change has been observed in individual(s) with papillary renal cell carcinoma (PMID: 9563489, 10327054, 23213094). It has also been observed to segregate with disease in related individuals. This variant is also known as H1094R. ClinVar contains an entry for this variant (Variation ID: 13887). Invitae Evidence Modeling of protein sequence and biophysical properties (such as structural, functional, and spatial information, amino acid conservation, physicochemical variation, residue mobility, and thermodynamic stability) has been performed for this missense variant. However, the output from this modeling did not meet the statistical confidence thresholds required to predict the impact of this variant on MET protein function. Experimental studies have shown that this missense change affects MET function (PMID: 9563489). For these reasons, this variant has been classified as Pathogenic.

GeneDx
Classification: Pathogenic. Last evaluated: 2025-04-14. Review status: criteria provided, single submitter. Criteria: GeneDx Variant Classification Process June 2021. Collection method: clinical testing. Allele origin: germline. Affected: yes.
Comment: Published functional studies demonstrate a damaging effect: results in malignant transformation of transfected cells and causes tumor development in a mouse model (PMID: 9563489); In silico analysis supports that this missense variant has a deleterious effect on protein structure/function; Not observed at significant frequency in large population cohorts (gnomAD); This variant is associated with the following publications: (PMID: 10433944, 26536169, 12460923, 9563489, 9731534, 9715275, 27047956, 28603720, 28498286, 15122209, 28164088, 29625052, 32770124, 36451132, 38496821)

PreventionGenetics, part of Exact Sciences
Classification: Pathogenic for MET-related condition. Last evaluated: 2025-03-31. Review status: criteria provided, single submitter. Criteria: ACMG Guidelines, 2015. Collection method: clinical testing. Allele origin: germline.
Comment: The MET c.3335A>G variant is predicted to result in the amino acid substitution p.His1112Arg. This variant is also known as c.3281A>G (p.His1094Arg) on an alternative transcript NM_000245.3. This variant has been reported to segregate with papillary renal carcinoma in two extended North American families (Schmidt et al. 1998. PubMed ID: 9563489; Zhuang et al. 1998. PubMed ID: 9731534). Analysis of 23 family members indicated that this variant is associated with late-onset malignancy of low penetrance (Schmidt et al. 1998. PubMed ID: 9563489). This variant has also been reported in additional individuals with papillary renal carcinoma (Table 2, Denize et al. 2020. PubMed ID: 32770124). This variant is reported in 3 of ~249,000 alleles in gnomAD. It is interpreted as pathogenic in ClinVar. This variant is interpreted as pathogenic.

Center for Genomic Medicine, Rigshospitalet, Copenhagen University Hospital
Classification: Pathogenic. Last evaluated: 2025-03-04. Review status: criteria provided, single submitter. Criteria: ACMG Guidelines, 2015. Collection method: clinical testing. Allele origin: germline.

Department of Pathology and Laboratory Medicine, Sinai Health System
Classification: Likely pathogenic for Hepatocellular carcinoma; Papillary renal cell carcinoma type 1; Osteofibrous dysplasia; Autosomal recessive nonsyndromic hearing loss 97; Arthrogryposis, distal, IIa 11. Last evaluated: 2024-11-26. Review status: criteria provided, single submitter. Criteria: ACMG Guidelines, 2015. Collection method: clinical testing. Allele origin: germline.

Ambry Genetics
Classification: Pathogenic for Hereditary cancer-predisposing syndrome. Last evaluated: 2024-11-12. Review status: criteria provided, single submitter. Criteria: Ambry Variant Classification Scheme 2023. Collection method: clinical testing. Allele origin: germline.
Comment: The p.H1112R pathogenic mutation (also known as c.3335A>G), located in coding exon 15 of the MET gene, results from an A to G substitution at nucleotide position 3335. The histidine at codon 1112 is replaced by arginine, an amino acid with highly similar properties. This mutation has been detected in two North American hereditary papillary renal carcinoma (HPRC) families and shown to segregate with disease in both families. In a transformation assay performed by the authors, the p.H1112R alteration was shown to produce tumors at the site of inoculation in 10 of 10 nude mice in 2-3 weeks whereas wildtype inoculation did not form tumors (Schmidt L et al. Cancer Res., 1998 Apr;58:1719-22). Based on the supporting evidence, this alteration is interpreted as a disease-causing mutation.

Eurofins Ntd Llc (ga)
Classification: Pathogenic. Last evaluated: 2013-10-15. Review status: criteria provided, single submitter. Criteria: EGL Classification Definitions 2015. Collection method: clinical testing. Allele origin: germline. Observed: 5 variant alleles, 5 heterozygotes.

OMIM
Classification: Pathogenic for RENAL CELL CARCINOMA, PAPILLARY, 1. Last evaluated: 1998-09-01. Review status: no assertion criteria provided. Collection method: literature only. Allele origin: germline. Not counted in ClinVar's aggregate classification.

Literature cited by the submitters: PubMed 9563489 (cited by 6 submitters); PubMed 34882875 (cited by Myriad Genetics, Inc.); PubMed 9715275 (cited by Myriad Genetics, Inc.); PubMed 10327054 (cited by Labcorp Genetics (formerly Invitae), Labcorp and Department of Pathology and Laboratory Medicine, Sinai Health System); PubMed 23213094 (cited by Labcorp Genetics (formerly Invitae), Labcorp and Department of Pathology and Laboratory Medicine, Sinai Health System); PubMed 32770124 (cited by Department of Pathology and Laboratory Medicine, Sinai Health System); PubMed 9731534 (cited by OMIM).

NM_000245.4(MET):c.3281A>G (p.His1094Arg)

Gene: MET (MET proto-oncogene, receptor tyrosine kinase; plus strand). Cytogenetic location: 7q31.2.
Variant type: single nucleotide variant.
Coding change: c.3281A>G on transcript NM_000245.4 (MANE Select); coding-DNA position 3281, A replaced by G.
Protein change: p.His1094Arg; replaces histidine 1094 with arginine.
Molecular consequence: missense variant.
Genome position (GRCh38, 1-based): chr7:116,777,410, A>G. VCF-style: chr7-116777410-A-G. GRCh37 (hg19) VCF-style: chr7-116417464-A-G.
Other names: c.3335A>G, p.His1112Arg (LRG_662t1, NM_001127500.3); c.1991A>G, p.His664Arg (NM_001324402.2); c.3335A>G (NM_001127500.2); short protein forms H1112R, H1094R, H664R.
Identifiers: ClinVar variation 13887 (VCV000013887.29), dbSNP rs121913243, ClinGen allele CA221506.